The following is an entry in ClinVar:

ClinVar aggregate classification (germline): Likely pathogenic (1 of 4 stars; one submission).

Conditions:
46,XY sex reversal 9 (SRXY9). Also called: 46,XY SEX REVERSAL, ZFPM2-RELATED. Identifiers: Orphanet 251510, MedGen C4015129, MONDO:0014480, OMIM 616067.

Allele frequency attached by ClinVar (database versions not stated): gnomAD exomes below 0.00001.
gnomAD v4.1: 2 of 1,613,272 alleles (0.00012%); highest among the groups gnomAD compares: Non-Finnish European, 0.00017%; no homozygotes.

Submission:

Laboratory of Medical Genetics, National & Kapodistrian University of Athens
Classification: Likely pathogenic for 46,XY sex reversal 9. Last evaluated: 2021-10-01. Review status: criteria provided, single submitter. Criteria: ACMG Guidelines, 2015. Collection method: clinical testing. Allele origin: unknown. Affected: yes.
Comment: PM2, PP3, PP4

Literature cited by the submitters: PubMed 34008892.

NM_012082.4(ZFPM2):c.192T>G (p.Cys64Trp)

Gene: ZFPM2 (zinc finger protein, FOG family member 2; plus strand). Cytogenetic location: 8q23.1.
Variant type: single nucleotide variant.
Coding change: c.192T>G on transcript NM_012082.4 (MANE Select); coding-DNA position 192, T replaced by G.
Protein change: p.Cys64Trp; replaces cysteine 64 with tryptophan.
Molecular consequence: missense variant. On other transcripts: 5 prime UTR variant (1), intron variant (1).
Genome position (GRCh38, 1-based): chr8:105,419,295, T>G. VCF-style: chr8-105419295-T-G. GRCh37 (hg19) VCF-style: chr8-106431523-T-G.
Other names: c.-205T>G (NM_001362837.2); c.41-24985T>G (NM_001362836.2); short protein forms C64W.
Identifiers: ClinVar variation 1299632 (VCV001299632.1), dbSNP rs1404513559, ClinGen allele CA372025854.